The following is an entry in ClinVar:

ClinVar aggregate classification (germline): Uncertain significance (1 of 4 stars; one submission).

Allele frequency attached by ClinVar (database versions not stated): ExAC 0.00001; gnomAD 0.00001; gnomAD exomes 0.00001; TOPMed 0.00001.
gnomAD v4.1: 11 of 1,613,530 alleles (0.00068%); highest among the groups gnomAD compares: Admixed American, 0.013%; no homozygotes.

Submission:

Labcorp Genetics (formerly Invitae), Labcorp
Classification: Uncertain significance. Last evaluated: 2025-11-26. Review status: criteria provided, single submitter. Criteria: Invitae Variant Classification Sherloc (09022015). Collection method: clinical testing. Allele origin: germline.
Comment: This sequence change replaces histidine, which is basic and polar, with arginine, which is basic and polar, at codon 156 of the TNNI3K protein (p.His156Arg). This variant is present in population databases (rs760070968, gnomAD 0.01%). This variant has not been reported in the literature in individuals affected with TNNI3K-related conditions. ClinVar contains an entry for this variant (Variation ID: 1912009). Invitae Evidence Modeling of protein sequence and biophysical properties (such as structural, functional, and spatial information, amino acid conservation, physicochemical variation, residue mobility, and thermodynamic stability) indicates that this missense variant is not expected to disrupt TNNI3K protein function with a negative predictive value of 80%. In summary, the available evidence is currently insufficient to determine the role of this variant in disease. Therefore, it has been classified as a Variant of Uncertain Significance.

NM_015978.3(TNNI3K):c.467A>G (p.His156Arg)

Genes: FPGT-TNNI3K (FPGT-TNNI3K readthrough; plus strand), TNNI3K (TNNI3 interacting kinase; plus strand). Cytogenetic location: 1p31.1.
Variant type: single nucleotide variant.
Coding change: c.467A>G on transcript NM_015978.3 (MANE Select); coding-DNA position 467, A replaced by G.
Protein change: p.His156Arg; replaces histidine 156 with arginine.
Molecular consequence: missense variant.
Genome position (GRCh38, 1-based): chr1:74,331,472, A>G. VCF-style: chr1-74331472-A-G. GRCh37 (hg19) VCF-style: chr1-74797156-A-G.
Other names: c.770A>G, p.His257Arg (NM_001112808.3, NM_001199327.2); short protein forms H156R, H257R.
Identifiers: ClinVar variation 1912009 (VCV001912009.5), dbSNP rs760070968, ClinGen allele CA908916.
Genomic context (GRCh38, chr1:74,331,472, plus strand): 5'-CAACTGAAGTTCTTAACCATAATCATTTTCTTGTCCAGGCTGCTGATGTGCTGTTGCAAC[A>G]TGGAGCTAATGTCAATATTCAAGATGCAGTTTTTTTCACTCCATTGCATATTGCAGCGTA-3'
Protein context (NP_057062.1, residues 146-166): HLEAADVLLQ[His156Arg]GANVNIQDAV